The following is an entry in ClinVar:

NM_000350.3(ABCA4):c.3561G>A (p.Thr1187=)

Gene: ABCA4 (ATP binding cassette subfamily A member 4; minus strand). Cytogenetic location: 1p22.1.
Variant type: single nucleotide variant.
Coding change: c.3561G>A on transcript NM_000350.3 (MANE Select); coding-DNA position 3561, G replaced by A.
Protein change: p.Thr1187=; no amino-acid change (threonine 1187 retained).
Molecular consequence: synonymous variant.
Genome position (GRCh38, 1-based): chr1:94,040,089, C>T on the plus strand (G>A on the coding strand, the complement: ABCA4 is on the minus strand). VCF-style: chr1-94040089-C-T. GRCh37 (hg19) VCF-style: chr1-94505645-C-T.
Other names: c.3339G>A, p.Thr1113= (NM_001425324.1); c.3561G>A (NM_000350.2).
Identifiers: ClinVar variation 1533142 (VCV001533142.10), dbSNP rs138761163, ClinGen allele CA957896.
Genomic context (GRCh38, chr1:94,040,089, plus strand): 5'-CGTCCAGTCCTTACCATCCAGGACTTGTTCTGGAGTTAGGTCATCGACGTGGGCTGGACA[C>T]GTGGTGGAGAAACCCTTAGACGAGCAGCTGCAGGTCCCCTGCAACAGATGGATGGGATGA-3'
Protein context (NP_000341.2, residues 1177-1197): CSCSSKGFST[Thr1187=]CPAHVDDLTP

ClinVar aggregate classification (germline): Likely benign. Review status: criteria provided, multiple submitters, no conflicts (2 of 4 stars). 3 submissions from 3 submitters: Likely benign (3). Last evaluated 2025-10-18.

Conditions:
ABCA4-related disorder. Also called: ABCA4-related condition; ABCA4-related disorders. Identifiers: MedGen CN239167.

Allele frequency attached by ClinVar (database versions not stated): gnomAD 0.00003; TOPMed 0.00003; gnomAD exomes 0.00005 and 0.00009; ExAC 0.00009; ESP Exome Variant Server 0.00031.
gnomAD v4.1: 140 of 1,610,144 alleles (0.0087%); highest among the groups gnomAD compares: Non-Finnish European, 0.011%; no homozygotes.

Submissions (3):

Labcorp Genetics (formerly Invitae), Labcorp
Classification: Likely benign. Last evaluated: 2025-10-18. Review status: criteria provided, single submitter. Criteria: Invitae Variant Classification Sherloc (09022015). Collection method: clinical testing. Allele origin: germline.

PreventionGenetics, part of Exact Sciences
Classification: Likely benign for ABCA4-related condition. Last evaluated: 2025-10-09. Review status: criteria provided, single submitter. Criteria: ACMG Guidelines, 2015. Collection method: clinical testing. Allele origin: germline.
Comment: This variant is classified as likely benign based on ACMG/AMP sequence variant interpretation guidelines (Richards et al. 2015 PMID: 25741868, with internal and published modifications).

Blueprint Genetics
Classification: Likely benign. Last evaluated: 2024-07-04. Review status: criteria provided, single submitter. Criteria: ACMG Guidelines, 2015. Collection method: clinical testing. Allele origin: germline.